The following is an entry in ClinVar:

ClinVar aggregate classification (germline): Pathogenic/Likely pathogenic. Review status: criteria provided, multiple submitters, no conflicts (2 of 4 stars). 5 submissions from 5 submitters: Pathogenic (4); Likely pathogenic (1). Last evaluated 2023-07-31.

Conditions:
Hereditary cancer-predisposing syndrome. Also called: Neoplastic Syndromes, Hereditary; Tumor predisposition; Hereditary Cancer Syndrome; Hereditary neoplastic syndrome. Identifiers: Orphanet 140162, MedGen C0027672, MeSH D009386, MONDO:0015356.
Familial cancer of breast. Also called: BREAST CANCER, FAMILIAL; hereditary breast carcinoma; Hereditary breast cancer. Identifiers: Orphanet 227535, MedGen C0346153, MONDO:0016419, OMIM 114480. Disease mechanism: loss of function.

Allele frequency attached by ClinVar (database versions not stated): gnomAD exomes below 0.00001; TOPMed below 0.00001.
gnomAD v4.1: 1 of 1,613,922 alleles (0.000062%); highest among the groups gnomAD compares: Non-Finnish European, 0.000085%; no homozygotes.

Submissions (5):

Labcorp Genetics (formerly Invitae), Labcorp
Classification: Pathogenic for Familial cancer of breast. Last evaluated: 2023-07-31. Review status: criteria provided, single submitter. Criteria: Invitae Variant Classification Sherloc (09022015). Collection method: clinical testing. Allele origin: germline.
Comment: This premature translational stop signal has been observed in individual(s) with vestibular schwannoma (PMID: 34308366). This sequence change creates a premature translational stop signal (p.Gln377*) in the PALB2 gene. It is expected to result in an absent or disrupted protein product. Loss-of-function variants in PALB2 are known to be pathogenic (PMID: 17200668, 17200671, 17200672, 24136930, 25099575). This variant is not present in population databases (gnomAD no frequency). ClinVar contains an entry for this variant (Variation ID: 640023). For these reasons, this variant has been classified as Pathogenic.

Myriad Genetics, Inc.
Classification: Pathogenic for Familial cancer of breast. Last evaluated: 2023-01-19. Review status: criteria provided, single submitter. Criteria: Myriad Autosomal Dominant, Autosomal Recessive and X-Linked Classification Criteria (2023). Collection method: clinical testing. Allele origin: unknown.
Comment: This variant is considered pathogenic. This variant creates a termination codon and is predicted to result in premature protein truncation.

Laboratory for Molecular Medicine, Mass General Brigham Personalized Medicine
Classification: Likely pathogenic for Familial cancer of breast. Last evaluated: 2022-06-27. Review status: criteria provided, single submitter. Criteria: ACMG Guidelines, 2015. Collection method: clinical testing. Allele origin: germline. Inheritance: Autosomal dominant inheritance.
Comment: The p.Gln377X variant in PALB2 has not been previously reported in individuals with PALB2-associated cancers but has been reported by other clinical laboratories in ClinVar (Variation ID: 640023). It was absent from large population databases. This nonsense variant leads to a premature termination codon at position 377, which is predicted to lead to a truncated or absent protein. Heterozygous loss of function of the PALB2 gene is an established disease mechanism in in PALB2-associated cancers, including autosomal dominant breast cancer. In summary, this variant meets criteria to be classified as likely pathogenic for autosomal dominant PALB2-associated cancers. ACMG/AMP Criteria applied: PM2_Supporting, PVS1.

Ambry Genetics
Classification: Pathogenic for Hereditary cancer-predisposing syndrome. Last evaluated: 2021-11-23. Review status: criteria provided, single submitter. Criteria: Ambry Variant Classification Scheme 2023. Collection method: clinical testing. Allele origin: germline.
Comment: The p.Q377* pathogenic mutation (also known as c.1129C>T), located in coding exon 4 of the PALB2 gene, results from a C to T substitution at nucleotide position 1129. This changes the amino acid from a glutamine to a stop codon within coding exon 4. This alteration is expected to result in loss of function by premature protein truncation or nonsense-mediated mRNA decay. As such, this alteration is interpreted as a disease-causing mutation.

Department of Pediatrics, Memorial Sloan Kettering Cancer Center
Classification: Pathogenic for Familial cancer of breast. Last evaluated: 2020-12-15. Review status: criteria provided, single submitter. Criteria: ACMG Guidelines, 2015. Collection method: research. Allele origin: germline. Affected: no.

Literature cited by the submitters: PubMed 34308366 (cited by Labcorp Genetics (formerly Invitae), Labcorp); PubMed 17200668 (cited by Labcorp Genetics (formerly Invitae), Labcorp); PubMed 17200671 (cited by Labcorp Genetics (formerly Invitae), Labcorp); PubMed 17200672 (cited by Labcorp Genetics (formerly Invitae), Labcorp); PubMed 24136930 (cited by Labcorp Genetics (formerly Invitae), Labcorp); PubMed 25099575 (cited by Labcorp Genetics (formerly Invitae), Labcorp); PubMed 28873162 (cited by Department of Pediatrics, Memorial Sloan Kettering Cancer Center).

NM_024675.4(PALB2):c.1129C>T (p.Gln377Ter)

Gene: PALB2 (partner and localizer of BRCA2; minus strand). Cytogenetic location: 16p12.2.
Variant type: single nucleotide variant.
Coding change: c.1129C>T on transcript NM_024675.4 (MANE Select); coding-DNA position 1129, C replaced by T.
Protein change: p.Gln377Ter; replaces glutamine 377 with a stop codon.
Molecular consequence: nonsense.
Genome position (GRCh38, 1-based): chr16:23,635,417, G>A on the plus strand (C>T on the coding strand, the complement: PALB2 is on the minus strand). VCF-style: chr16-23635417-G-A. GRCh37 (hg19) VCF-style: chr16-23646738-G-A.
Other names: short protein forms Q377*.
Identifiers: ClinVar variation 640023 (VCV000640023.13), dbSNP rs929474806, ClinGen allele CA279498785.
Genomic context (GRCh38, chr16:23,635,417, plus strand): 5'-TGCAAGAATGTTTTTCTGCAGAAAGAGGAGAGGTTGCTTCCAGGCTAAGACTCTTAGGTT[G>A]ACTTAGAATCTCACTTTCCTGAAGATTTTCATTCCTGCCATCAAGAGTGTCACTGGGAGA-3'